The following is an entry in ClinVar:

ClinVar aggregate classification (germline): Benign/Likely benign. Review status: criteria provided, multiple submitters, no conflicts (2 of 4 stars). 8 submissions from 8 submitters: Benign (5); Likely benign (3). Last evaluated 2026-01-27.

Conditions:
Charcot-Marie-Tooth disease. Also called: Charcot-Marie-Tooth Neuropathy; Charcot-Marie-Tooth Hereditary Neuropathy. Identifiers: Orphanet 166, MedGen C0007959, MONDO:0015626.
Charcot-Marie-Tooth disease type 4. Also called: Charcot-Marie-Tooth disease, type IV; Charcot-Marie-Tooth, Type 4. Identifiers: Orphanet 64749, MedGen C4082197, MONDO:0018995.
Charcot-Marie-Tooth disease type 4F. Also called: Charcot-Marie-Tooth disease, demyelinating, type 4F. Identifiers: Orphanet 99952, MedGen C3540453, MONDO:0013959, OMIM 614895.
PRX-related disorder. Also called: PRX-Related Disorders; PRX-related condition.
Dejerine-Sottas disease. Also called: HMSN Type III; Hereditary motor and sensory neuropathy 3; HEREDITARY MOTOR AND SENSORY NEUROPATHY TYPE III; DEJERINE-SOTTAS NEUROPATHY; Charcot-Marie-Tooth disease type 3. Identifiers: Orphanet 64748, MedGen C0011195, MONDO:0007790, OMIM 145900.

Allele frequency attached by ClinVar (database versions not stated): ESP Exome Variant Server 0.00008; gnomAD exomes 0.00056 and 0.00108; gnomAD 0.00058 and 0.00080; TOPMed 0.00094; ExAC 0.00207; 1000 Genomes Project 30x 0.00468; 1000 Genomes Project 0.00479.
gnomAD v4.1: 930 of 1,611,704 alleles (0.058%); highest among the groups gnomAD compares: East Asian, 2%; 10 homozygotes.

Submissions (8):

Labcorp Genetics (formerly Invitae), Labcorp
Classification: Benign for Charcot-Marie-Tooth disease type 4. Last evaluated: 2026-01-27. Review status: criteria provided, single submitter. Criteria: Invitae Variant Classification Sherloc (09022015). Collection method: clinical testing. Allele origin: germline.

Mayo Clinic Laboratories, Mayo Clinic
Classification: Benign. Last evaluated: 2025-07-17. Review status: criteria provided, single submitter. Criteria: ACMG Guidelines, 2015. Collection method: clinical testing. Allele origin: germline. Observed: 2 variant alleles.

PreventionGenetics, part of Exact Sciences
Classification: Benign for PRX-related condition. Last evaluated: 2025-06-20. Review status: criteria provided, single submitter. Criteria: ACMG Guidelines, 2015. Collection method: clinical testing. Allele origin: germline.
Comment: This variant is classified as benign based on ACMG/AMP sequence variant interpretation guidelines (Richards et al. 2015 PMID: 25741868, with internal and published modifications).

Blueprint Genetics
Classification: Likely benign. Last evaluated: 2024-10-02. Review status: criteria provided, single submitter. Criteria: ACMG Guidelines, 2015. Collection method: clinical testing. Allele origin: germline.

Fulgent Genetics
Classification: Likely benign for Dejerine-Sottas disease; Charcot-Marie-Tooth disease type 4F. Last evaluated: 2021-08-20. Review status: criteria provided, single submitter. Criteria: ACMG Guidelines, 2015. Collection method: clinical testing. Allele origin: unknown.

GeneDx
Classification: Benign. Last evaluated: 2018-11-30. Review status: criteria provided, single submitter. Criteria: GeneDx Variant Classification Process June 2021. Collection method: clinical testing. Allele origin: germline. Affected: yes.
Comment: This variant is associated with the following publications: (PMID: 22730194)

Illumina Laboratory Services, Illumina
Classification: Benign for Charcot-Marie-Tooth disease type 4F. Last evaluated: 2018-01-12. Review status: criteria provided, single submitter. Criteria: ICSL Variant Classification Criteria 13 December 2019. Collection method: clinical testing. Allele origin: germline.
Comment: This variant was observed in the ICSL laboratory as part of a predisposition screen in an ostensibly healthy population. It had not been previously curated by ICSL or reported in the Human Gene Mutation Database (HGMD: prior to June 1st, 2018), and was therefore a candidate for classification through an automated scoring system. Utilizing variant allele frequency, disease prevalence and penetrance estimates, and inheritance mode, an automated score was calculated to assess if this variant is too frequent to cause the disease. Based on the score and internal cut-off values, a variant classified as benign is not then subjected to further curation. The score for this variant resulted in a classification of benign for this disease.

Molecular Genetics Laboratory, London Health Sciences Centre
Classification: Likely benign for Charcot-Marie-Tooth disease. Review status: criteria provided, single submitter. Criteria: ACMG Guidelines, 2015. Collection method: clinical testing. Allele origin: germline. Affected: yes.

NM_181882.3(PRX):c.1625G>A (p.Arg542Gln)

Gene: PRX (periaxin; minus strand). Cytogenetic location: 19q13.2.
Variant type: single nucleotide variant.
Coding change: c.1625G>A on transcript NM_181882.3 (MANE Select); coding-DNA position 1625, G replaced by A.
Protein change: p.Arg542Gln; replaces arginine 542 with glutamine.
Molecular consequence: missense variant. On other transcripts: 3 prime UTR variant (1).
Genome position (GRCh38, 1-based): chr19:40,396,727, C>T on the plus strand (G>A on the coding strand, the complement: PRX is on the minus strand). VCF-style: chr19-40396727-C-T. GRCh37 (hg19) VCF-style: chr19-40902634-C-T.
Other names: p.Arg542Gln; c.*1830G>A (NM_020956.2); short protein forms R542Q.
Identifiers: ClinVar variation 329274 (VCV000329274.23), dbSNP rs139586219, ClinGen allele CA9444227.